The following is an entry in ClinVar:

ClinVar aggregate classification (germline): Uncertain significance (1 of 4 stars; one submission).

Submission:

ISCA site 4
Classification: Uncertain significance. Last evaluated: 2011-08-12. Review status: criteria provided, single submitter. Criteria: Kaminsky et al. (Genet Med. 2011). Collection method: clinical testing. Allele origin: unknown. Affected: yes. Observed: 1 variant allele.
Comment: Copy number variation identified through the course of routine clinical cytogenomic testing in postnatal populations. Clinical assertions have been curated as described in Kaminsky et al. 2011.

GRCh38/hg38 3p26.3-26.2(chr3:2220949-2920945)x3

Genes: CNTN4 (contactin 4; plus strand), LOC107522028 (meiotic recombination hotspot T; plus strand), LOC129936036 (ATAC-STARR-seq lymphoblastoid active region 19334; plus strand), LOC129936037 (ATAC-STARR-seq lymphoblastoid active region 19335; plus strand), LOC129936038 (ATAC-STARR-seq lymphoblastoid active region 19336; plus strand) and 2 more. Cytogenetic location: 3p26.3-26.2.
Variant type: copy number gain.
Change: copy number 3 (three copies instead of two) of chr3:2,220,949-2,920,945 (700.0 kb, GRCh38 coordinates, 1-based), cytogenetic band 3p26.3-26.2.
Identifiers: ClinVar variation 161052 (VCV000161052.1).